The following is an entry in ClinVar:

NM_004006.3(DMD):c.632_633dup (p.Leu212fs)

Gene: DMD (dystrophin; minus strand). Cytogenetic location: Xp21.1.
Variant type: Duplication.
Coding change: c.632_633dup on transcript NM_004006.3 (MANE Select); coding-DNA positions 632 to 633, 2 bases duplicated (AA; older notation c.632_633dupAA).
Protein change: p.Leu212fs; shifts the reading frame from leucine 212.
Molecular consequence: frameshift variant.
Genome position (GRCh38, 1-based): chrX:32,809,509-32,809,510, TT duplicated on the plus strand (AA on the coding strand, the reverse complement: DMD is on the minus strand); duplicating any 2 consecutive bases within chrX:32,809,509-32,809,511 gives the same sequence; the c. name uses the placement nearest the transcript's 3' end. VCF-style (leftmost placement, unchanged base first): chrX-32809508-G-GTT. GRCh37 (hg19) VCF-style: chrX-32827625-G-GTT.
Other names: c.608_609dup, p.Leu204fs (NM_000109.4); c.620_621dup, p.Leu208fs (NM_004009.3); c.263_264dup, p.Leu89fs (NM_004010.3); short protein forms L204fs, L212fs, L208fs, L89fs.
Identifiers: ClinVar variation 3656317 (VCV003656317.2).

ClinVar aggregate classification (germline): Pathogenic (1 of 4 stars; one submission).

Conditions:
Duchenne muscular dystrophy (DMD). Also called: MUSCULAR DYSTROPHY, PSEUDOHYPERTROPHIC PROGRESSIVE, DUCHENNE TYPE; Duchenne Muscular Dystrophy (DMD). Identifiers: Orphanet 98896, MedGen C0013264, MONDO:0010679, OMIM 310200.

Submission:

Labcorp Genetics (formerly Invitae), Labcorp
Classification: Pathogenic for Duchenne muscular dystrophy. Last evaluated: 2024-06-20. Review status: criteria provided, single submitter. Criteria: Invitae Variant Classification Sherloc (09022015). Collection method: clinical testing. Allele origin: germline.
Comment: This sequence change creates a premature translational stop signal (p.Leu212Asnfs*19) in the DMD gene. It is expected to result in an absent or disrupted protein product. Loss-of-function variants in DMD are known to be pathogenic (PMID: 16770791, 25007885). This variant is not present in population databases (gnomAD no frequency). This variant has not been reported in the literature in individuals affected with DMD-related conditions. For these reasons, this variant has been classified as Pathogenic.

Literature cited by the submitters: PubMed 16770791; PubMed 25007885.